The following is an entry in ClinVar:

NM_000091.5(COL4A3):c.2882-916_2927del

Genes: COL4A3 (collagen type IV alpha 3 chain; plus strand), MFF-DT (MFF divergent transcript; minus strand). Cytogenetic location: 2q36.3.
Variant type: Deletion.
Coding change: c.2882-916_2927del on transcript NM_000091.5 (MANE Select); 916 bases into the intron before coding-DNA position 2882 through coding-DNA position 2927, 962 bases deleted.
Molecular consequence: splice acceptor variant.
Genome position (GRCh38, 1-based): chr2:227,288,234-227,289,195, 962 bases deleted. GRCh37 (hg19): chr2:228,152,950-228,153,911.
Identifiers: ClinVar variation 2824581 (VCV002824581.3), dbSNP rs2469808710, ClinGen allele CA2739279427.

ClinVar aggregate classification (germline): Likely pathogenic (1 of 4 stars; one submission).

Submission:

Labcorp Genetics (formerly Invitae), Labcorp
Classification: Likely pathogenic. Last evaluated: 2022-12-27. Review status: criteria provided, single submitter. Criteria: Invitae Variant Classification Sherloc (09022015). Collection method: clinical testing. Allele origin: germline.
Comment: In summary, the currently available evidence indicates that the variant is pathogenic, but additional data are needed to prove that conclusively. Therefore, this variant has been classified as Likely Pathogenic. This variant has not been reported in the literature in individuals affected with COL4A3-related conditions. This variant is not present in population databases (gnomAD no frequency). This variant results in the deletion of part of exon 35 (c.2882-916_2927del) of the COL4A3 gene. It is expected to disrupt RNA splicing. Variants that disrupt the donor or acceptor splice site typically lead to a loss of protein function (PMID: 16199547), and loss-of-function variants in COL4A3 are known to be pathogenic (PMID: 8956999, 24854265, 26809805, 27281700).

Literature cited by the submitters: PubMed 16199547; PubMed 8956999; PubMed 24854265; PubMed 26809805; PubMed 27281700.